The following is an entry in ClinVar:

NM_004211.5(SLC6A5):c.323C>A (p.Pro108His)

Gene: SLC6A5 (solute carrier family 6 member 5; plus strand). Cytogenetic location: 11p15.1.
Variant type: single nucleotide variant.
Coding change: c.323C>A on transcript NM_004211.5 (MANE Select); coding-DNA position 323, C replaced by A.
Protein change: p.Pro108His; replaces proline 108 with histidine.
Molecular consequence: missense variant. On other transcripts: 5 prime UTR variant (1).
Genome position (GRCh38, 1-based): chr11:20,601,448, C>A. VCF-style: chr11-20601448-C-A. GRCh37 (hg19) VCF-style: chr11-20622994-C-A.
Other names: c.-241C>A (NM_001318369.2); short protein forms P108H.
Identifiers: ClinVar variation 2084005 (VCV002084005.3), dbSNP rs759697015, ClinGen allele CA379911975.

ClinVar aggregate classification (germline): Uncertain significance (1 of 4 stars; one submission).

Conditions:
Hyperekplexia 3 (HKPX3). Also called: HYPEREKPLEXIA 3, AUTOSOMAL RECESSIVE; HYPEREKPLEXIA 3, AUTOSOMAL DOMINANT. Identifiers: Orphanet 3197, MedGen C3553288, MONDO:0013827, OMIM 614618.

gnomAD v4.1: 6 of 1,608,356 alleles (0.00037%); highest among the groups gnomAD compares: African/African-American, 0.004%; no homozygotes.

Submission:

Labcorp Genetics (formerly Invitae), Labcorp
Classification: Uncertain significance for Hyperekplexia 3. Last evaluated: 2022-04-29. Review status: criteria provided, single submitter. Criteria: Invitae Variant Classification Sherloc (09022015). Collection method: clinical testing. Allele origin: germline.
Comment: In summary, the available evidence is currently insufficient to determine the role of this variant in disease. Therefore, it has been classified as a Variant of Uncertain Significance. Advanced modeling of protein sequence and biophysical properties (such as structural, functional, and spatial information, amino acid conservation, physicochemical variation, residue mobility, and thermodynamic stability) performed at Invitae indicates that this missense variant is not expected to disrupt SLC6A5 protein function. This variant has not been reported in the literature in individuals affected with SLC6A5-related conditions. This variant is not present in population databases (gnomAD no frequency). This sequence change replaces proline, which is neutral and non-polar, with histidine, which is basic and polar, at codon 108 of the SLC6A5 protein (p.Pro108His).